The following is an entry in ClinVar:

NM_001099403.2(PRDM8):c.1618G>T (p.Ala540Ser)

Gene: PRDM8 (PR/SET domain 8; plus strand). Cytogenetic location: 4q21.21.
Variant type: single nucleotide variant.
Coding change: c.1618G>T on transcript NM_001099403.2 (MANE Select); coding-DNA position 1618, G replaced by T.
Protein change: p.Ala540Ser; replaces alanine 540 with serine.
Molecular consequence: missense variant.
Genome position (GRCh38, 1-based): chr4:80,203,080, G>T. VCF-style: chr4-80203080-G-T. GRCh37 (hg19) VCF-style: chr4-81124234-G-T.
Other names: c.1618G>T, p.Ala540Ser (NM_020226.4); c.1618G>T (NM_020226.3); short protein forms A540S.
Identifiers: ClinVar variation 1370989 (VCV001370989.5), dbSNP rs780056353, ClinGen allele CA2982415.

ClinVar aggregate classification (germline): Uncertain significance. Review status: criteria provided, multiple submitters, no conflicts (2 of 4 stars). 2 submissions from 2 submitters: Uncertain significance (2). Last evaluated 2025-07-03.

Conditions:
Early-onset Lafora body disease. Also called: Epilepsy, progressive myoclonic, 10. Identifiers: Orphanet 324290, MedGen C4225258, MONDO:0014717, OMIM 616640.

Allele frequency attached by ClinVar (database versions not stated): gnomAD 0.00001 and 0.00004; TOPMed 0.00003.
gnomAD v4.1: 20 of 1,567,958 alleles (0.0013%); highest among the groups gnomAD compares: Admixed American, 0.011%; no homozygotes.

Submissions (2):

Ambry Genetics
Classification: Uncertain significance. Last evaluated: 2025-07-03. Review status: criteria provided, single submitter. Criteria: Ambry Variant Classification Scheme 2023. Collection method: clinical testing. Allele origin: germline.

Labcorp Genetics (formerly Invitae), Labcorp
Classification: Uncertain significance for Early-onset Lafora body disease. Last evaluated: 2023-12-06. Review status: criteria provided, single submitter. Criteria: Invitae Variant Classification Sherloc (09022015). Collection method: clinical testing. Allele origin: germline.
Comment: This sequence change replaces alanine, which is neutral and non-polar, with serine, which is neutral and polar, at codon 540 of the PRDM8 protein (p.Ala540Ser). The frequency data for this variant in the population databases is considered unreliable, as metrics indicate poor data quality at this position in the gnomAD database. This variant has not been reported in the literature in individuals affected with PRDM8-related conditions. ClinVar contains an entry for this variant (Variation ID: 1370989). Algorithms developed to predict the effect of missense changes on protein structure and function output the following: SIFT: "Not Available"; PolyPhen-2: "Benign"; Align-GVGD: "Not Available". The serine amino acid residue is found in multiple mammalian species, which suggests that this missense change does not adversely affect protein function. In summary, the available evidence is currently insufficient to determine the role of this variant in disease. Therefore, it has been classified as a Variant of Uncertain Significance.